The following is an entry in ClinVar:

ClinVar aggregate classification (germline): Uncertain significance (1 of 4 stars; one submission).

gnomAD v4.1: 2 of 1,204,555 alleles (0.00017%); highest among the groups gnomAD compares: Non-Finnish European, 0.00022%; no homozygotes.

Submission:

Labcorp Genetics (formerly Invitae), Labcorp
Classification: Uncertain significance. Last evaluated: 2022-02-13. Review status: criteria provided, single submitter. Criteria: Invitae Variant Classification Sherloc (09022015). Collection method: clinical testing. Allele origin: germline.
Comment: In summary, the available evidence is currently insufficient to determine the role of this variant in disease. Therefore, it has been classified as a Variant of Uncertain Significance. Algorithms developed to predict the effect of missense changes on protein structure and function are either unavailable or do not agree on the potential impact of this missense change (SIFT: "Deleterious"; PolyPhen-2: "Benign"; Align-GVGD: "Class C0"). This variant has not been reported in the literature in individuals affected with CACNA1F-related conditions. This variant is not present in population databases (gnomAD no frequency). This sequence change replaces cysteine, which is neutral and slightly polar, with serine, which is neutral and polar, at codon 853 of the CACNA1F protein (p.Cys853Ser).

NM_001256789.3(CACNA1F):c.2525G>C (p.Cys842Ser)

Gene: CACNA1F (calcium voltage-gated channel subunit alpha1 F; minus strand). Cytogenetic location: Xp11.23.
Variant type: single nucleotide variant.
Coding change: c.2525G>C on transcript NM_001256789.3 (MANE Select); coding-DNA position 2525, G replaced by C.
Protein change: p.Cys842Ser; replaces cysteine 842 with serine.
Molecular consequence: missense variant.
Genome position (GRCh38, 1-based): chrX:49,219,652, C>G on the plus strand (G>C on the coding strand, the complement: CACNA1F is on the minus strand). VCF-style: chrX-49219652-C-G. GRCh37 (hg19) VCF-style: chrX-49076111-C-G.
Other names: c.2363G>C, p.Cys788Ser (NM_001256790.3); c.2558G>C, p.Cys853Ser (NM_005183.4); short protein forms C853S, C842S, C788S.
Identifiers: ClinVar variation 1524547 (VCV001524547.8), dbSNP rs2147910122, ClinGen allele CA412965494.